The following is an entry in ClinVar:

ClinVar aggregate classification (germline): Uncertain significance (1 of 4 stars; one submission).

Conditions:
Long QT syndrome (LQTS). Identifiers: MedGen C0023976, MeSH D008133, MONDO:0002442. Disease mechanism: loss of function. Inheritance: Various modes of inheritance.

Submission:

Labcorp Genetics (formerly Invitae), Labcorp
Classification: Uncertain significance for Long QT syndrome. Last evaluated: 2022-02-07. Review status: criteria provided, single submitter. Criteria: Invitae Variant Classification Sherloc (09022015). Collection method: clinical testing. Allele origin: germline.
Comment: This sequence change replaces serine, which is neutral and polar, with asparagine, which is neutral and polar, at codon 304 of the KCNH2 protein (p.Ser304Asn). This variant is not present in population databases (gnomAD no frequency). This variant has not been reported in the literature in individuals affected with KCNH2-related conditions. Algorithms developed to predict the effect of missense changes on protein structure and function (SIFT, PolyPhen-2, Align-GVGD) all suggest that this variant is likely to be tolerated. In summary, the available evidence is currently insufficient to determine the role of this variant in disease. Therefore, it has been classified as a Variant of Uncertain Significance.

NM_000238.4(KCNH2):c.911G>A (p.Ser304Asn)

Gene: KCNH2 (potassium voltage-gated channel subfamily H member 2; minus strand). Cytogenetic location: 7q36.1.
Variant type: single nucleotide variant.
Coding change: c.911G>A on transcript NM_000238.4 (MANE Select); coding-DNA position 911, G replaced by A.
Protein change: p.Ser304Asn; replaces serine 304 with asparagine.
Molecular consequence: missense variant.
Genome position (GRCh38, 1-based): chr7:150,958,064, C>T on the plus strand (G>A on the coding strand, the complement: KCNH2 is on the minus strand). VCF-style: chr7-150958064-C-T. GRCh37 (hg19) VCF-style: chr7-150655152-C-T.
Other names: c.623G>A, p.Ser208Asn (NM_001406753.1, NM_001406756.1); c.734G>A, p.Ser245Asn (NM_001406755.1); c.611G>A, p.Ser204Asn (NM_001406757.1); c.911G>A, p.Ser304Asn (NM_172056.3); short protein forms S245N, S204N, S208N, S304N.
Identifiers: ClinVar variation 2064900 (VCV002064900.4), dbSNP rs2117002336, ClinGen allele CA369862056.
Genomic context (GRCh38, chr7:150,958,064, plus strand): 5'-CCTGGCAGCAGAAGAAGCGTGGGCTGGGGCGGAACGGGTCCCGCGGCGCCCTCACCGGTG[C>T]TGGCGTGGCGCGGTGGCGGGGGCAGCACCCCGGCGCGCATGGCCTCGATGTCGTCGGCCG-3'
Protein context (NP_000229.1, residues 294-314): GVLPPPPRHA[Ser304Asn]TGAMHPLRSG